The following is an entry in ClinVar:

NM_033448.3(KRT71):c.853G>A (p.Val285Ile)

Gene: KRT71 (keratin 71; minus strand). Cytogenetic location: 12q13.13.
Variant type: single nucleotide variant.
Coding change: c.853G>A on transcript NM_033448.3 (MANE Select); coding-DNA position 853, G replaced by A.
Protein change: p.Val285Ile; replaces valine 285 with isoleucine.
Molecular consequence: missense variant.
Genome position (GRCh38, 1-based): chr12:52,548,277, C>T on the plus strand (G>A on the coding strand, the complement: KRT71 is on the minus strand). VCF-style: chr12-52548277-C-T. GRCh37 (hg19) VCF-style: chr12-52942061-C-T.
Other names: c.853G>A (NM_033448.2); short protein forms V285I.
Identifiers: ClinVar variation 3650609 (VCV003650609.3).
Genomic context (GRCh38, chr12:52,548,277, plus strand): 5'-GGACTTCGTCAATGATGCTGTCCAGGTCTAGGTTCCGGTTGTTGTCCATGGACAGGATGA[C>T]AGACATGTCACTGATGTGGGACTGGATCTGAGTGATCTCCTGCAGGGGACACAGAAATGG-3'
Protein context (NP_258259.1, residues 275-295): QIQSHISDMS[Val285Ile]ILSMDNNRNL

ClinVar aggregate classification (germline): Uncertain significance. Review status: criteria provided, multiple submitters, no conflicts (2 of 4 stars). 2 submissions from 2 submitters: Uncertain significance (2). Last evaluated 2025-08-04.

Submissions (2):

Ambry Genetics
Classification: Uncertain significance. Last evaluated: 2025-08-04. Review status: criteria provided, single submitter. Criteria: Ambry Variant Classification Scheme 2023. Collection method: clinical testing. Allele origin: germline.

Labcorp Genetics (formerly Invitae), Labcorp
Classification: Uncertain significance. Last evaluated: 2024-10-11. Review status: criteria provided, single submitter. Criteria: Invitae Variant Classification Sherloc (09022015). Collection method: clinical testing. Allele origin: germline.
Comment: This sequence change replaces valine, which is neutral and non-polar, with isoleucine, which is neutral and non-polar, at codon 285 of the KRT71 protein (p.Val285Ile). This variant is present in population databases (rs141914500, gnomAD 0.08%), and has an allele count higher than expected for a pathogenic variant. This variant has not been reported in the literature in individuals affected with KRT71-related conditions. Invitae Evidence Modeling of protein sequence and biophysical properties (such as structural, functional, and spatial information, amino acid conservation, physicochemical variation, residue mobility, and thermodynamic stability) indicates that this missense variant is not expected to disrupt KRT71 protein function with a negative predictive value of 80%. In summary, the available evidence is currently insufficient to determine the role of this variant in disease. Therefore, it has been classified as a Variant of Uncertain Significance.